The following is an entry in ClinVar:

NM_002878.4(RAD51D):c.285T>G (p.Ala95=)

Genes: RAD51L3-RFFL (RAD51L3-RFFL readthrough; minus strand), RAD51D (RAD51 paralog D; minus strand). Cytogenetic location: 17q12.
Variant type: single nucleotide variant.
Coding change: c.285T>G on transcript NM_002878.4 (MANE Select); coding-DNA position 285, T replaced by G.
Protein change: p.Ala95=; no amino-acid change (alanine 95 retained).
Molecular consequence: synonymous variant. On other transcripts: non-coding transcript variant (2), intron variant (1).
Genome position (GRCh38, 1-based): chr17:35,107,426, A>C on the plus strand (T>G on the coding strand, the complement: RAD51D is on the minus strand). VCF-style: chr17-35107426-A-C. GRCh37 (hg19) VCF-style: chr17-33434445-A-C.
Other names: c.345T>G, p.Ala115= (NM_001142571.2); c.145-945T>G (NM_133629.3).
Identifiers: ClinVar variation 2774206 (VCV002774206.3), dbSNP rs113147933, ClinGen allele CA499731905.

ClinVar aggregate classification (germline): Benign/Likely benign. Review status: criteria provided, multiple submitters, no conflicts (2 of 4 stars). 2 submissions from 2 submitters: Benign (1); Likely benign (1). Last evaluated 2025-02-20.

Conditions:
Hereditary cancer-predisposing syndrome. Also called: Hereditary neoplastic syndrome; Hereditary Cancer Syndrome; Neoplastic Syndromes, Hereditary; Tumor predisposition. Identifiers: Orphanet 140162, MedGen C0027672, MeSH D009386, MONDO:0015356.
Breast-ovarian cancer, familial, susceptibility to, 4. Identifiers: Orphanet 145, MedGen C3280345, MONDO:0013669, OMIM 614291.

Submissions (2):

Myriad Genetics, Inc.
Classification: Benign for Breast-ovarian cancer, familial, susceptibility to, 4. Last evaluated: 2025-02-20. Review status: criteria provided, single submitter. Criteria: Myriad Autosomal Dominant, Autosomal Recessive and X-Linked Classification Criteria (2023). Collection method: clinical testing. Allele origin: unknown.
Comment: This variant is considered benign. This variant is a silent/synonymous amino acid change and it is not expected to impact splicing.

Color Diagnostics, LLC DBA Color Health
Classification: Likely benign for Hereditary cancer-predisposing syndrome. Last evaluated: 2022-07-25. Review status: criteria provided, single submitter. Criteria: ACMG Guidelines, 2015. Collection method: clinical testing. Allele origin: germline.